The following is an entry in ClinVar:

ClinVar aggregate classification (germline): Uncertain significance (1 of 4 stars; one submission).

Allele frequency attached by ClinVar (database versions not stated): ExAC 0.00001; gnomAD 0.00001; gnomAD exomes 0.00001; TOPMed 0.00001; ESP Exome Variant Server 0.00008.
gnomAD v4.1: 21 of 1,613,338 alleles (0.0013%); highest among the groups gnomAD compares: Non-Finnish European, 0.0018%; no homozygotes.

Submission:

Labcorp Genetics (formerly Invitae), Labcorp
Classification: Uncertain significance. Last evaluated: 2025-07-01. Review status: criteria provided, single submitter. Criteria: Invitae Variant Classification Sherloc (09022015). Collection method: clinical testing. Allele origin: germline.
Comment: This sequence change replaces valine, which is neutral and non-polar, with methionine, which is neutral and non-polar, at codon 1154 of the CACNA1B protein (p.Val1154Met). This variant is present in population databases (rs199969429, gnomAD 0.002%). This variant has not been reported in the literature in individuals affected with CACNA1B-related conditions. ClinVar contains an entry for this variant (Variation ID: 1987821). An algorithm developed to predict the effect of missense changes on protein structure and function outputs the following: PolyPhen-2: "Benign". The methionine amino acid residue is found in multiple mammalian species, which suggests that this missense change does not adversely affect protein function. In summary, the available evidence is currently insufficient to determine the role of this variant in disease. Therefore, it has been classified as a Variant of Uncertain Significance.

NM_000718.4(CACNA1B):c.3460G>A (p.Val1154Met)

Gene: CACNA1B (calcium voltage-gated channel subunit alpha1 B; plus strand). Cytogenetic location: 9q34.3.
Variant type: single nucleotide variant.
Coding change: c.3460G>A on transcript NM_000718.4 (MANE Select); coding-DNA position 3460, G replaced by A.
Protein change: p.Val1154Met; replaces valine 1154 with methionine.
Molecular consequence: missense variant.
Genome position (GRCh38, 1-based): chr9:138,046,950, G>A. VCF-style: chr9-138046950-G-A. GRCh37 (hg19) VCF-style: chr9-140941402-G-A.
Other names: c.3460G>A, p.Val1154Met (NM_001243812.2); short protein forms V1154M.
Identifiers: ClinVar variation 1987821 (VCV001987821.3), dbSNP rs199969429, ClinGen allele CA5376689.